The following is an entry in ClinVar:

ClinVar aggregate classification (germline): Uncertain significance. Review status: criteria provided, multiple submitters, no conflicts (2 of 4 stars). 2 submissions from 2 submitters: Uncertain significance (2). Last evaluated 2025-04-07.

Conditions:
Hereditary cancer-predisposing syndrome. Also called: Tumor predisposition; Hereditary neoplastic syndrome; Neoplastic Syndromes, Hereditary; Hereditary Cancer Syndrome. Identifiers: Orphanet 140162, MedGen C0027672, MeSH D009386, MONDO:0015356.

Allele frequency attached by ClinVar (database versions not stated): TOPMed below 0.00001; ExAC 0.00001; gnomAD 0.00001; gnomAD exomes 0.00001.
gnomAD v4.1: 1 of 1,614,052 alleles (0.000062%); highest among the groups gnomAD compares: Non-Finnish European, 0.000085%; no homozygotes.

Submissions (2):

Labcorp Genetics (formerly Invitae), Labcorp
Classification: Uncertain significance. Last evaluated: 2025-04-07. Review status: criteria provided, single submitter. Criteria: Invitae Variant Classification Sherloc (09022015). Collection method: clinical testing. Allele origin: germline.
Comment: This sequence change replaces alanine, which is neutral and non-polar, with aspartic acid, which is acidic and polar, at codon 25 of the POLE protein (p.Ala25Asp). The frequency data for this variant in the population databases is considered unreliable, as metrics indicate poor data quality at this position in the gnomAD database. This variant has not been reported in the literature in individuals affected with POLE-related conditions. ClinVar contains an entry for this variant (Variation ID: 950942). An algorithm developed to predict the effect of missense changes on protein structure and function (PolyPhen-2) suggests that this variant is likely to be tolerated. In summary, the available evidence is currently insufficient to determine the role of this variant in disease. Therefore, it has been classified as a Variant of Uncertain Significance.

Ambry Genetics
Classification: Uncertain significance for Hereditary cancer-predisposing syndrome. Last evaluated: 2024-11-02. Review status: criteria provided, single submitter. Criteria: Ambry Variant Classification Scheme 2023. Collection method: clinical testing. Allele origin: germline.
Comment: The p.A25D variant (also known as c.74C>A), located in coding exon 2 of the POLE gene, results from a C to A substitution at nucleotide position 74. The alanine at codon 25 is replaced by aspartic acid, an amino acid with dissimilar properties. This amino acid position is conserved. In addition, this alteration is predicted to be tolerated by in silico analysis. Based on the available evidence, the clinical significance of this variant remains unclear.

NM_006231.4(POLE):c.74C>A (p.Ala25Asp)

Gene: POLE (DNA polymerase epsilon, catalytic subunit; minus strand). Cytogenetic location: 12q24.33.
Variant type: single nucleotide variant.
Coding change: c.74C>A on transcript NM_006231.4 (MANE Select); coding-DNA position 74, C replaced by A.
Protein change: p.Ala25Asp; replaces alanine 25 with aspartic acid.
Molecular consequence: missense variant.
Genome position (GRCh38, 1-based): chr12:132,681,268, G>T on the plus strand (C>A on the coding strand, the complement: POLE is on the minus strand). VCF-style: chr12-132681268-G-T. GRCh37 (hg19) VCF-style: chr12-133257854-G-T.
Other names: c.74C>A (NM_006231.2); short protein forms A25D.
Identifiers: ClinVar variation 950942 (VCV000950942.10), dbSNP rs561834381, ClinGen allele CA6894452.